The following is an entry in ClinVar:

ClinVar aggregate classification (germline): Uncertain significance. Review status: criteria provided, multiple submitters, no conflicts (2 of 4 stars). 2 submissions from 2 submitters: Uncertain significance (2). Last evaluated 2019-03-05.

Conditions:
Episodic ataxia type 2 (EA2). Also called: ATAXIA, EPISODIC, WITH NYSTAGMUS; ATAXIA, FAMILIAL PAROXYSMAL; CEREBELLAR ATAXIA, PAROXYSMAL, ACETAZOLAMIDE-RESPONSIVE; CEREBELLOPATHY, HEREDITARY PAROXYSMAL; EPISODIC ATAXIA, NYSTAGMUS-ASSOCIATED; ACETAZOLAMIDE-RESPONSIVE HEREDITARY PAROXYSMAL CEREBELLAR ATAXIA. Identifiers: Orphanet 97, MedGen C1720416, MONDO:0007163, OMIM 108500.
Developmental and epileptic encephalopathy, 42 (DEE42A). Also called: Epileptic encephalopathy, early infantile, 42; DEVELOPMENTAL AND EPILEPTIC ENCEPHALOPATHY 42A; EPILEPTIC ENCEPHALOPATHY, EARLY INFANTILE, 42A. Identifiers: MedGen C4310716, MONDO:0014917, OMIM 617106.

Allele frequency attached by ClinVar (database versions not stated): TOPMed 0.00001.

Submissions (2):

Labcorp Genetics (formerly Invitae), Labcorp
Classification: Uncertain significance for Developmental and epileptic encephalopathy, 42; Episodic ataxia type 2. Last evaluated: 2019-03-05. Review status: criteria provided, single submitter. Criteria: Invitae Variant Classification Sherloc (09022015). Collection method: clinical testing. Allele origin: germline.
Comment: In summary, the available evidence is currently insufficient to determine the role of this variant in disease. Therefore, it has been classified as a Variant of Uncertain Significance. Algorithms developed to predict the effect of missense changes on protein structure and function are either unavailable or do not agree on the potential impact of this missense change (SIFT: "Deleterious"; PolyPhen-2: "Benign"; Align-GVGD: "Class C0"). This variant has not been reported in the literature in individuals with CACNA1A-related conditions. ClinVar contains an entry for this variant (Variation ID: 426909). This variant is not present in population databases (ExAC no frequency). This sequence change replaces alanine with proline at codon 1120 of the CACNA1A protein (p.Ala1120Pro). The alanine residue is moderately conserved and there is a small physicochemical difference between alanine and proline.

GeneDx
Classification: Uncertain significance. Last evaluated: 2017-03-28. Review status: criteria provided, single submitter. Criteria: GeneDx Variant Classification (06012015). Collection method: clinical testing. Allele origin: germline. Affected: yes.
Comment: A variant of uncertain significance has been identified in the CACNA1A gene. The A1120P variant has not been published as a pathogenic variant, nor has it been reported as a benign variant to our knowledge. The A1120P variant is not observed in large population cohorts (Lek et al., 2016; 1000 Genomes Consortium et al., 2015; Exome Variant Server). The A1120P variant is a semi-conservative amino acid substitution, which may impact secondary protein structure as these residues differ in some properties. However, this substitution occurs at a position that is not conserved, and in silico analysis predicts this variant likely does not alter the protein structure/function. Therefore, based on the currently available information, it is unclear whether this variant is a pathogenic variant or a rare benign variant.

NM_001127222.2(CACNA1A):c.3355G>C (p.Ala1119Pro)

Gene: CACNA1A (calcium voltage-gated channel subunit alpha1 A; minus strand). Cytogenetic location: 19p13.13.
Variant type: single nucleotide variant.
Coding change: c.3355G>C on transcript NM_001127222.2 (MANE Select); coding-DNA position 3355, G replaced by C.
Protein change: p.Ala1119Pro; replaces alanine 1119 with proline.
Molecular consequence: missense variant.
Genome position (GRCh38, 1-based): chr19:13,286,701, C>G on the plus strand (G>C on the coding strand, the complement: CACNA1A is on the minus strand). VCF-style: chr19-13286701-C-G. GRCh37 (hg19) VCF-style: chr19-13397515-C-G.
Other names: c.3367G>C, p.Ala1123Pro (NM_000068.4, NM_023035.3); c.3358G>C, p.Ala1120Pro (NM_001127221.2, NM_001174080.2); short protein forms A1120P, A1123P, A1119P.
Identifiers: ClinVar variation 426909 (VCV000426909.12), dbSNP rs199745070, ClinGen allele CA305564223.